The following is an entry in ClinVar:

ClinVar aggregate classification (germline): Uncertain significance (1 of 4 stars; one submission).

Conditions:
Gorlin syndrome. Also called: Nevoid Basal Cell Carcinoma Syndrome; Basal cell nevus syndrome. Identifiers: Orphanet 377, MedGen C0004779, MONDO:0007187.

Submission:

Labcorp Genetics (formerly Invitae), Labcorp
Classification: Uncertain significance for Gorlin syndrome. Last evaluated: 2024-04-16. Review status: criteria provided, single submitter. Criteria: Invitae Variant Classification Sherloc (09022015). Collection method: clinical testing. Allele origin: germline.
Comment: This sequence change replaces asparagine, which is neutral and polar, with aspartic acid, which is acidic and polar, at codon 802 of the PTCH1 protein (p.Asn802Asp). This variant is not present in population databases (gnomAD no frequency). This variant has not been reported in the literature in individuals affected with PTCH1-related conditions. ClinVar contains an entry for this variant (Variation ID: 2201400). Advanced modeling of protein sequence and biophysical properties (such as structural, functional, and spatial information, amino acid conservation, physicochemical variation, residue mobility, and thermodynamic stability) performed at Invitae indicates that this missense variant is not expected to disrupt PTCH1 protein function with a negative predictive value of 95%. In summary, the available evidence is currently insufficient to determine the role of this variant in disease. Therefore, it has been classified as a Variant of Uncertain Significance.

NM_000264.5(PTCH1):c.2404A>G (p.Asn802Asp)

Genes: PTCH1 (patched 1; minus strand), LOC100507346 (uncharacterized LOC100507346; plus strand). Cytogenetic location: 9q22.32.
Variant type: single nucleotide variant.
Coding change: c.2404A>G on transcript NM_000264.5 (MANE Select); coding-DNA position 2404, A replaced by G.
Protein change: p.Asn802Asp; replaces asparagine 802 with aspartic acid.
Molecular consequence: missense variant.
Genome position (GRCh38, 1-based): chr9:95,467,272, T>C on the plus strand (A>G on the coding strand, the complement: PTCH1 is on the minus strand). VCF-style: chr9-95467272-T-C. GRCh37 (hg19) VCF-style: chr9-98229554-T-C.
Other names: c.2206A>G, p.Asn736Asp (NM_001083602.3); c.2401A>G, p.Asn801Asp (NM_001083603.3); c.1951A>G, p.Asn651Asp (NM_001083604.3, NM_001083605.3, NM_001083606.3 and 1 more transcripts); c.2248A>G, p.Asn750Asp (NM_001354918.2); short protein forms N736D, N651D, N801D, N750D, N802D.
Identifiers: ClinVar variation 2201400 (VCV002201400.4), dbSNP rs2117963239, ClinGen allele CA374114326.
Genomic context (GRCh38, chr9:95,467,272, plus strand): 5'-GGTCGTAAAGTAAGTGCTGGATATTCGGGTAGTCTGCTTTCTGGGTGACTATATACATGT[T>C]GTAGAAAGAAAAGTATTTGAATTGTGCAGCAATAAAGTCATATTCTCTGGTTTCCCGAGG-3'
Protein context (NP_000255.2, residues 792-812): AAQFKYFSFY[Asn802Asp]MYIVTQKADY